The following is an entry in ClinVar:

ClinVar aggregate classification (germline): Uncertain significance. Review status: criteria provided, multiple submitters, no conflicts (2 of 4 stars). 2 submissions from 2 submitters: Uncertain significance (2). Last evaluated 2024-11-12.

Conditions:
3M syndrome 2. Also called: THREE M SYNDROME 2; 3-M Syndrome, OBSL1-Related. Identifiers: Orphanet 2616, MedGen C2752041, MONDO:0013039, OMIM 612921.

Allele frequency attached by ClinVar (database versions not stated): gnomAD 0.00003; TOPMed 0.00003.

Submissions (2):

Women's Health and Genetics/Laboratory Corporation of America, LabCorp
Classification: Uncertain significance. Last evaluated: 2024-11-12. Review status: criteria provided, single submitter. Criteria: LabCorp Variant Classification Summary - May 2015. Collection method: clinical testing. Allele origin: germline.
Comment: Variant summary: OBSL1 c.4813G>A (p.Asp1605Asn) results in a conservative amino acid change located in the Immunoglobulin repeat domain region (IPR003599) of the encoded protein sequence. Four of five in-silico tools predict a damaging effect of the variant on protein function. The variant allele was found at a frequency of 2.8e-05 in 1606352 control chromosomes in the gnomAD database (v4.1 dataset). This frequency is not significantly higher than estimated for a pathogenic variant in OBSL1 causing Three M Syndrome 2 (2.8e-05 vs 0.0011), allowing no conclusion about variant significance. To our knowledge, no occurrence of c.4813G>A in individuals affected with Three M Syndrome 2 and no experimental evidence demonstrating its impact on protein function have been reported. ClinVar contains an entry for this variant (Variation ID: 3250434). Based on the evidence outlined above, the variant was classified as uncertain significance.

Neuberg Centre For Genomic Medicine, NCGM
Classification: Uncertain significance for 3M syndrome 2. Review status: criteria provided, single submitter. Criteria: ACMG Guidelines, 2015. Collection method: clinical testing. Allele origin: germline. Inheritance: Autosomal recessive inheritance. Affected: yes.
Comment: The observed missense c.4813G>A (p.Asp1605Asn) variant in OBSL1 gene has not been reported previously as a pathogenic variant nor as a benign variant, to our knowledge. The p.Asp1605Asn variant is present with an allele frequency of 0.0004% in gnomAD exomes database. This variant has not been submitted to the ClinVar database. Multiple lines of computational evidence predict a damaging effect on protein structure and function for this variant (Sift - damaging; Polyphen - probably damaging; Mutation Taster - disease causing). The amino acid change p.Asp1605Asn in OBSL1 is predicted as conserved by GERP++ and PhyloP across 100 vertebrates. The amino acid Asp at position 1605 is changed to a Asn changing protein sequence and it might alter its composition and physico-chemical properties. Additional studies will be required to prove the pathogenicity of this variant. For these reasons, this variant has been classified as a Variant of Uncertain Significance (VUS).

NM_015311.3(OBSL1):c.4813G>A (p.Asp1605Asn)

Gene: OBSL1 (obscurin like cytoskeletal adaptor 1; minus strand). Cytogenetic location: 2q35.
Variant type: single nucleotide variant.
Coding change: c.4813G>A on transcript NM_015311.3 (MANE Select); coding-DNA position 4813, G replaced by A.
Protein change: p.Asp1605Asn; replaces aspartic acid 1605 with asparagine.
Molecular consequence: missense variant.
Genome position (GRCh38, 1-based): chr2:219,554,537, C>T on the plus strand (G>A on the coding strand, the complement: OBSL1 is on the minus strand). VCF-style: chr2-219554537-C-T. GRCh37 (hg19) VCF-style: chr2-220419259-C-T.
Other names: short protein forms D1605N.
Identifiers: ClinVar variation 3250434 (VCV003250434.2), dbSNP rs758052028.
Genomic context (GRCh38, chr2:219,554,537, plus strand): 5'-TCACAATGAGTCTGGCTGCGCAGCGCAGGGAATCCGCTGTGAAGGAGACACAGCCTGAGT[C>T]GGCCAGGCCCAGGCCATTGAGTACCAGTCGGTGACGGTGGCCGTCCGAGTGGATGTGACA-3'
Protein context (NP_056126.1, residues 1595-1615): RLVLNGLGLA[Asp1605Asn]SGCVSFTADS